The following is an entry in ClinVar:

ClinVar aggregate classification (germline): Likely benign. Review status: criteria provided, multiple submitters, no conflicts (2 of 4 stars). 2 submissions from 2 submitters: Likely benign (2). Last evaluated 2024-04-25.

Allele frequency attached by ClinVar (database versions not stated): gnomAD 0.00004; TOPMed 0.00006; ESP Exome Variant Server 0.00008; ExAC 0.00002.
gnomAD v4.1: 32 of 1,613,752 alleles (0.002%); highest among the groups gnomAD compares: African/African-American, 0.023%; no homozygotes.

Submissions (2):

Labcorp Genetics (formerly Invitae), Labcorp
Classification: Likely benign. Last evaluated: 2024-04-25. Review status: criteria provided, single submitter. Criteria: Invitae Variant Classification Sherloc (09022015). Collection method: clinical testing. Allele origin: germline.

Women's Health and Genetics/Laboratory Corporation of America, LabCorp
Classification: Likely benign. Last evaluated: 2022-08-16. Review status: criteria provided, single submitter. Criteria: LabCorp Variant Classification Summary - May 2015. Collection method: clinical testing. Allele origin: germline.
Comment: Variant summary: ABCA1 c.3555C>A (p.Asn1185Lys) results in a non-conservative amino acid change in the encoded protein sequence. Three of five in-silico tools predict a benign effect of the variant on protein function. The variant allele was found at a frequency of 4e-05 in 251464 control chromosomes. The observed variant frequency is approximately 3.18 fold of the estimated maximal expected allele frequency for a pathogenic variant in ABCA1 causing Early Onset Coronary Artery Disease phenotype (1.3e-05), strongly suggesting that the variant is benign. To our knowledge, no occurrence of c.3555C>A in individuals affected with Early Onset Coronary Artery Disease and no experimental evidence demonstrating its impact on protein function have been reported. No clinical diagnostic laboratories have submitted clinical-significance assessments for this variant to ClinVar after 2014. Based on the evidence outlined above, the variant was classified as likely benign.

NM_005502.4(ABCA1):c.3555C>A (p.Asn1185Lys)

Gene: ABCA1 (ATP binding cassette subfamily A member 1; minus strand). Cytogenetic location: 9q31.1.
Variant type: single nucleotide variant.
Coding change: c.3555C>A on transcript NM_005502.4 (MANE Select); coding-DNA position 3555, C replaced by A.
Protein change: p.Asn1185Lys; replaces asparagine 1185 with lysine.
Molecular consequence: missense variant.
Genome position (GRCh38, 1-based): chr9:104,816,326, G>T on the plus strand (C>A on the coding strand, the complement: ABCA1 is on the minus strand). VCF-style: chr9-104816326-G-T. GRCh37 (hg19) VCF-style: chr9-107578607-G-T.
Other names: short protein forms N1185K.
Identifiers: ClinVar variation 1705115 (VCV001705115.3), dbSNP rs371810744, ClinGen allele CA5168393.